The following is an entry in ClinVar:

NM_152564.5(VPS13B):c.5001T>C (p.Asp1667=)

Gene: VPS13B (vacuolar protein sorting 13 homolog B; plus strand). Cytogenetic location: 8q22.2.
Variant type: single nucleotide variant.
Coding change: c.5001T>C on transcript NM_152564.5 (MANE Select); coding-DNA position 5001, T replaced by C.
Protein change: p.Asp1667=; no amino-acid change (aspartic acid 1667 retained).
Molecular consequence: synonymous variant.
Genome position (GRCh38, 1-based): chr8:99,575,709, T>C. VCF-style: chr8-99575709-T-C. GRCh37 (hg19) VCF-style: chr8-100587937-T-C.
Other names: c.5076T>C, p.Asp1692= (NM_017890.5); c.5001T>C (NM_152564.4).
Identifiers: ClinVar variation 1658214 (VCV001658214.9), dbSNP rs527950476, ClinGen allele CA4823718.

ClinVar aggregate classification (germline): Likely benign. Review status: criteria provided, multiple submitters, no conflicts (2 of 4 stars). 2 submissions from 2 submitters: Likely benign (2). Last evaluated 2025-04-30.

Conditions:
VPS13B-related disorder. Also called: VPS13B-related condition.
Cohen syndrome (COH1). Also called: PEPPER SYNDROME; Cutis verticis gyrata, retinitis pigmentosa, and sensorineural deafness. Identifiers: Orphanet 193, MedGen C0265223, MONDO:0008999, OMIM 216550.

Allele frequency attached by ClinVar (database versions not stated): ExAC 0.00001.

Submissions (2):

PreventionGenetics, part of Exact Sciences
Classification: Likely benign for VPS13B-related condition. Last evaluated: 2025-04-30. Review status: criteria provided, single submitter. Criteria: ACMG Guidelines, 2015. Collection method: clinical testing. Allele origin: germline.
Comment: This variant is classified as likely benign based on ACMG/AMP sequence variant interpretation guidelines (Richards et al. 2015 PMID: 25741868, with internal and published modifications).

Labcorp Genetics (formerly Invitae), Labcorp
Classification: Likely benign for Cohen syndrome. Last evaluated: 2023-11-24. Review status: criteria provided, single submitter. Criteria: Invitae Variant Classification Sherloc (09022015). Collection method: clinical testing. Allele origin: germline.